The following is an entry in ClinVar:

NM_000718.4(CACNA1B):c.3674T>C (p.Ile1225Thr)

Gene: CACNA1B (calcium voltage-gated channel subunit alpha1 B; plus strand). Cytogenetic location: 9q34.3.
Variant type: single nucleotide variant.
Coding change: c.3674T>C on transcript NM_000718.4 (MANE Select); coding-DNA position 3674, T replaced by C.
Protein change: p.Ile1225Thr; replaces isoleucine 1225 with threonine.
Molecular consequence: missense variant.
Genome position (GRCh38, 1-based): chr9:138,049,279, T>C. VCF-style: chr9-138049279-T-C. GRCh37 (hg19) VCF-style: chr9-140943731-T-C.
Other names: c.3674T>C, p.Ile1225Thr (NM_001243812.2); c.3674T>C (NM_000718.3); short protein forms I1225T.
Identifiers: ClinVar variation 2168484 (VCV002168484.2), dbSNP rs201536971, ClinGen allele CA5376775.

ClinVar aggregate classification (germline): Uncertain significance. Review status: criteria provided, multiple submitters, no conflicts (2 of 4 stars). 2 submissions from 2 submitters: Uncertain significance (2). Last evaluated 2024-07-27.

Allele frequency attached by ClinVar (database versions not stated): ExAC 0.00001; gnomAD 0.00001; gnomAD exomes 0.00002; TOPMed 0.00005.
gnomAD v4.1: 36 of 1,613,228 alleles (0.0022%); highest among the groups gnomAD compares: Non-Finnish European, 0.0029%; no homozygotes.

Submissions (2):

Ambry Genetics
Classification: Uncertain significance. Last evaluated: 2024-07-27. Review status: criteria provided, single submitter. Criteria: Ambry Variant Classification Scheme 2023. Collection method: clinical testing. Allele origin: germline.

Labcorp Genetics (formerly Invitae), Labcorp
Classification: Uncertain significance. Last evaluated: 2022-03-19. Review status: criteria provided, single submitter. Criteria: Invitae Variant Classification Sherloc (09022015). Collection method: clinical testing. Allele origin: germline.
Comment: This sequence change replaces isoleucine, which is neutral and non-polar, with threonine, which is neutral and polar, at codon 1225 of the CACNA1B protein (p.Ile1225Thr). This variant is present in population databases (rs201536971, gnomAD 0.003%). This variant has not been reported in the literature in individuals affected with CACNA1B-related conditions. Algorithms developed to predict the effect of missense changes on protein structure and function (SIFT, PolyPhen-2, Align-GVGD) all suggest that this variant is likely to be disruptive. In summary, the available evidence is currently insufficient to determine the role of this variant in disease. Therefore, it has been classified as a Variant of Uncertain Significance.